The following is an entry in ClinVar:

ClinVar aggregate classification (germline): Likely benign (1 of 4 stars; one submission).

Conditions:
Fanconi anemia complementation group A (FANCA). Also called: Fanconi anemia, group A; FANCA-Related Fanconi Anemia. Identifiers: Orphanet 84, MedGen C3469521, MONDO:0009215, OMIM 227650.

Allele frequency attached by ClinVar (database versions not stated): 1000 Genomes Project 0.00060; 1000 Genomes Project 30x 0.00062; ESP Exome Variant Server 0.00146; gnomAD 0.00150 and 0.00151; TOPMed 0.00163; ExAC 0.00218; gnomAD exomes 0.00266.
gnomAD v4.1: 2,446 of 1,614,022 alleles (0.15%); highest among the groups gnomAD compares: Middle Eastern, 0.54%; 29 homozygotes.

Submission:

Illumina Laboratory Services, Illumina
Classification: Likely benign for Fanconi anemia complementation group A. Last evaluated: 2018-01-13. Review status: criteria provided, single submitter. Criteria: ICSL Variant Classification Criteria 13 December 2019. Collection method: clinical testing. Allele origin: germline.
Comment: This variant was observed in the ICSL laboratory as part of a predisposition screen in an ostensibly healthy population. It had not been previously curated by ICSL or reported in the Human Gene Mutation Database (HGMD: prior to June 1st, 2018), and was therefore a candidate for classification through an automated scoring system. Utilizing variant allele frequency, disease prevalence and penetrance estimates, and inheritance mode, an automated score was calculated to assess if this variant is too frequent to cause the disease. Based on the score and internal cut-off values, a variant classified as likely benign is not then subjected to further curation. The score for this variant resulted in a classification of likely benign for this disease.

NM_000135.4(FANCA):c.*654C>T

Genes: FANCA (FA complementation group A; minus strand), ZNF276 (zinc finger protein 276; plus strand). Cytogenetic location: 16q24.3.
Variant type: single nucleotide variant.
Coding change: c.*654C>T on transcript NM_000135.4 (MANE Select); 654 bases downstream of the stop codon, C replaced by T.
Molecular consequence: 3 prime UTR variant. On other transcripts: intron variant (2).
Genome position (GRCh38, 1-based): chr16:89,737,947, G>A on the plus strand (C>T on the coding strand, the complement: FANCA is on the minus strand). VCF-style: chr16-89737947-G-A. GRCh37 (hg19) VCF-style: chr16-89804355-G-A.
Other names: c.*751C>T (NM_001286167.3); c.1350-29G>A (NM_152287.4); c.1575-29G>A (NM_001113525.2).
Identifiers: ClinVar variation 321314 (VCV000321314.5), dbSNP rs17227438, ClinGen allele CA8250447.
Genomic context (GRCh38, chr16:89,737,947, plus strand): 5'-CGGGAGCCAAGCCTTTGCAGTAAGTGTGAGTCAGGACCCCCTCCCAGGGCTGTGGCCCTC[G>A]CACCTTCTTATCTGCCTCTGTCCCCCAGGTGTGAGGTCTGTGGGTTCCAGTGCAGGCAGC-3'